The following is an entry in ClinVar:

ClinVar aggregate classification (germline): Uncertain significance (1 of 4 stars; one submission).

Conditions:
Familial adenomatous polyposis 1 (FAP1). Also called: FAMILIAL ADENOMATOUS POLYPOSIS 1, ATTENUATED; POLYPOSIS, ADENOMATOUS INTESTINAL. Identifiers: MedGen C2713442, MONDO:0021056, OMIM 175100. Disease mechanism: loss of function.

gnomAD v4.1: 1 of 1,370,616 alleles (0.000073%); no homozygotes.

Submission:

Labcorp Genetics (formerly Invitae), Labcorp
Classification: Uncertain significance for Familial adenomatous polyposis 1. Last evaluated: 2025-12-09. Review status: criteria provided, single submitter. Criteria: Invitae Variant Classification Sherloc (09022015). Collection method: clinical testing. Allele origin: germline.
Comment: This variant occurs in a non-coding region of the APC gene. It does not change the encoded amino acid sequence of the APC protein. This variant is not present in population databases (gnomAD no frequency). This variant has not been reported in the literature in individuals affected with APC-related conditions. ClinVar contains an entry for this variant (Variation ID: 537665). Experimental studies and prediction algorithms are not available or were not evaluated, and the functional significance of this variant is currently unknown. In summary, the available evidence is currently insufficient to determine the role of this variant in disease. Therefore, it has been classified as a Variant of Uncertain Significance.

NM_001127511.3(APC):c.39G>A (p.Leu13=)

Gene: APC (APC regulator of Wnt signaling pathway; plus strand). Cytogenetic location: 5q22.2.
Variant type: single nucleotide variant.
Coding change: c.39G>A on transcript NM_001127511.3; coding-DNA position 39, G replaced by A.
Protein change: p.Leu13=; no amino-acid change (leucine 13 retained).
Molecular consequence: synonymous variant. On other transcripts: 5 prime UTR variant (8), non-coding transcript variant (1), intron variant (5).
Genome position (GRCh38, 1-based): chr5:112,707,756, G>A. VCF-style: chr5-112707756-G-A. GRCh37 (hg19) VCF-style: chr5-112043453-G-A.
Other names: c.-145G>A (NM_001354895.2, NM_001407447.1, NM_001407452.1 and 3 more transcripts); c.39G>A, p.Leu13= (NM_001354897.2, NM_001354902.2, NM_001407446.1); c.-1180G>A (NM_001407470.1, NM_001407472.1); c.-19+107G>A (NM_001407448.1, NM_001407450.1, NM_001407457.1 and 1 more transcripts); c.-43+107G>A (NM_001407453.1).
Identifiers: ClinVar variation 537665 (VCV000537665.9), dbSNP rs772953367, ClinGen allele CA650199572.